The following is an entry in ClinVar:

NM_007294.4(BRCA1):c.5436A>T (p.Pro1812=)

Gene: BRCA1 (BRCA1 DNA repair associated; minus strand). Cytogenetic location: 17q21.31.
Variant type: single nucleotide variant.
Coding change: c.5436A>T on transcript NM_007294.4 (MANE Select); coding-DNA position 5436, A replaced by T.
Protein change: p.Pro1812=; no amino-acid change (proline 1812 retained).
Molecular consequence: synonymous variant. On other transcripts: nonsense (17).
Genome position (GRCh38, 1-based): chr17:43,047,674, T>A on the plus strand (A>T on the coding strand, the complement: BRCA1 is on the minus strand). VCF-style: chr17-43047674-T-A. GRCh37 (hg19) VCF-style: chr17-41199691-T-A.
Other names: c.5223A>T, p.Pro1741= (NM_001407571.1, NM_001407894.1, NM_001407895.1 and 12 more transcripts); c.5502A>T, p.Pro1834= (NM_001407581.1, NM_001407582.1); c.5499A>T, p.Pro1833= (NM_001407583.1, NM_001407585.1, NM_001407587.1 and 1 more transcripts); c.5496A>T, p.Pro1832= (NM_001407590.1, NM_001407591.1); c.5436A>T, p.Pro1812= (NM_001407593.1, NM_001407594.1, NM_001407596.1 and 5 more transcripts); c.5433A>T, p.Pro1811= (NM_001407610.1, NM_001407611.1, NM_001407612.1 and 14 more transcripts); c.5430A>T, p.Pro1810= (NM_001407627.1, NM_001407628.1, NM_001407629.1 and 13 more transcripts); c.5427A>T, p.Pro1809= (NM_001407644.1, NM_001407645.1); and 83 more; short protein forms R684*, R1746*, R683*, R1741*, R1747*, R1788*, R1740*, R1745*.
Identifiers: ClinVar variation 865507 (VCV000865507.3), dbSNP rs2050986198, ClinGen allele CA10590555.

Conditions:
Breast-ovarian cancer, familial, susceptibility to, 1 (BROVCA1). Also called: BRCA1 Hereditary Breast and Ovarian Cancer; OVARIAN CANCER, SUSCEPTIBILITY TO. Identifiers: Orphanet 145, MedGen C2676676, MONDO:0011450, OMIM 604370. Disease mechanism: loss of function.

Submission:

Brotman Baty Institute, University of Washington
No classification provided (evidence only). Condition: Breast-ovarian cancer, familial 1. Review status: no classification provided. Collection method: in vitro. Allele origin: not applicable. Functional consequence: functionally_normal.
ClinVar note: "not provided" was previously submitted as the classification for the variant. However, the classification appeared to be based only on an observation of functional data so it was converted to no classification on 2025-07-30.